The following is an entry in ClinVar:

ClinVar aggregate classification (germline): Uncertain significance. Review status: criteria provided, multiple submitters, no conflicts (2 of 4 stars). 3 submissions from 3 submitters: Uncertain significance (3). Last evaluated 2025-11-27.

Conditions:
Cardiovascular phenotype. Identifiers: MedGen CN230736.

Submissions (3):

Labcorp Genetics (formerly Invitae), Labcorp
Classification: Uncertain significance. Last evaluated: 2025-11-27. Review status: criteria provided, single submitter. Criteria: Invitae Variant Classification Sherloc (09022015). Collection method: clinical testing. Allele origin: germline.
Comment: This sequence change replaces cysteine, which is neutral and slightly polar, with phenylalanine, which is neutral and non-polar, at codon 344 of the ALPK3 protein (p.Cys344Phe). This variant is not present in population databases (gnomAD no frequency). This variant has not been reported in the literature in individuals affected with ALPK3-related conditions. ClinVar contains an entry for this variant (Variation ID: 1311831). An algorithm developed to predict the effect of missense changes on protein structure and function (PolyPhen-2) suggests that this variant is likely to be disruptive. In summary, the available evidence is currently insufficient to determine the role of this variant in disease. Therefore, it has been classified as a Variant of Uncertain Significance.

Ambry Genetics
Classification: Uncertain significance for Cardiovascular phenotype. Last evaluated: 2024-12-14. Review status: criteria provided, single submitter. Criteria: Ambry Variant Classification Scheme 2023. Collection method: clinical testing. Allele origin: germline.
Comment: The p.C344F variant (also known as c.1031G>T), located in coding exon 5 of the ALPK3 gene, results from a G to T substitution at nucleotide position 1031. The cysteine at codon 344 is replaced by phenylalanine, an amino acid with highly dissimilar properties. This amino acid position is highly conserved in available vertebrate species. In addition, the in silico prediction for this alteration is inconclusive. Since supporting evidence is limited at this time, the clinical significance of this alteration remains unclear.

GeneDx
Classification: Uncertain significance. Last evaluated: 2023-02-03. Review status: criteria provided, single submitter. Criteria: GeneDx Variant Classification Process June 2021. Collection method: clinical testing. Allele origin: germline. Affected: yes.
Comment: Has not been previously published as pathogenic or benign to our knowledge; Not observed at significant frequency in large population cohorts (gnomAD); In silico analysis supports that this missense variant has a deleterious effect on protein structure/function

NM_020778.5(ALPK3):c.425G>T (p.Cys142Phe)

Gene: ALPK3 (alpha kinase 3; plus strand). Cytogenetic location: 15q25.3.
Variant type: single nucleotide variant.
Coding change: c.425G>T on transcript NM_020778.5 (MANE Select); coding-DNA position 425, G replaced by T.
Protein change: p.Cys142Phe; replaces cysteine 142 with phenylalanine.
Molecular consequence: missense variant.
Genome position (GRCh38, 1-based): chr15:84,839,704, G>T. VCF-style: chr15-84839704-G-T. GRCh37 (hg19) VCF-style: chr15-85382935-G-T.
Other names: short protein forms C142F.
Identifiers: ClinVar variation 1311831 (VCV001311831.11), dbSNP rs2141556129, ClinGen allele CA393372443.
Genomic context (GRCh38, chr15:84,839,704, plus strand): 5'-TGTGGGGGCTCTCACCTCCCAGGAGGGGAGAGGTGGCACCTCCCGCTCCTACCTCTAGGT[G>T]TCGAGAAGAAGATGCCGCCATCTACCAGGCCTCTGCCCAGAACAGCAAGGGCATTGTGTC-3'
Protein context (NP_065829.4, residues 132-152): GNRHTLQLYR[Cys142Phe]REEDAAIYQA